The following is an entry in ClinVar:

NM_198253.3(TERT):c.2418C>G (p.Phe806Leu)

Gene: TERT (telomerase reverse transcriptase; minus strand). Cytogenetic location: 5p15.33.
Variant type: single nucleotide variant.
Coding change: c.2418C>G on transcript NM_198253.3 (MANE Select); coding-DNA position 2418, C replaced by G.
Protein change: p.Phe806Leu; replaces phenylalanine 806 with leucine.
Molecular consequence: missense variant.
Genome position (GRCh38, 1-based): chr5:1,271,169, G>C on the plus strand (C>G on the coding strand, the complement: TERT is on the minus strand). VCF-style: chr5-1271169-G-C. GRCh37 (hg19) VCF-style: chr5-1271284-G-C.
Other names: c.2418C>G, p.Phe806Leu (NM_001193376.3); short protein forms F806L.
Identifiers: ClinVar variation 4865474 (VCV004865474.1).

ClinVar aggregate classification (germline): Uncertain significance (1 of 4 stars; one submission).

Conditions:
Dyskeratosis congenita. Identifiers: Orphanet 1775, MedGen C0265965, MONDO:0015780.

Submission:

Ambry Genetics
Classification: Uncertain significance for Dyskeratosis congenita. Last evaluated: 2026-05-03. Review status: criteria provided, single submitter. Criteria: Ambry Variant Classification Scheme 2023. Collection method: clinical testing. Allele origin: germline.
Comment: The p.F806L variant (also known as c.2418C>G), located in coding exon 8 of the TERT gene, results from a C to G substitution at nucleotide position 2418. The phenylalanine at codon 806 is replaced by leucine, an amino acid with highly similar properties. This amino acid position is conserved. In addition, this alteration is predicted to be tolerated by in silico analysis. Based on the available evidence, the clinical significance of this variant remains unclear.